The following is an entry in ClinVar:

NM_153700.2(STRC):c.4778C>T (p.Ala1593Val)

Gene: STRC (stereocilin; minus strand). Cytogenetic location: 15q15.3.
Variant type: single nucleotide variant.
Coding change: c.4778C>T on transcript NM_153700.2 (MANE Select); coding-DNA position 4778, C replaced by T.
Protein change: p.Ala1593Val; replaces alanine 1593 with valine.
Molecular consequence: missense variant.
Genome position (GRCh38, 1-based): chr15:43,600,938, G>A on the plus strand (C>T on the coding strand, the complement: STRC is on the minus strand). VCF-style: chr15-43600938-G-A. GRCh37 (hg19) VCF-style: chr15-43893136-G-A.
Other names: short protein forms A1593V.
Identifiers: ClinVar variation 4924491 (VCV004924491.2).

ClinVar aggregate classification (germline): Conflicting classifications of pathogenicity. Review status: criteria provided, conflicting classifications (1 of 4 stars). 2 submissions from 2 submitters: Pathogenic (1); Uncertain significance (1). Last evaluated 2026-04-11.

Conditions:
STRC-related disorder. Also called: STRC-related condition.

gnomAD v4.1: 56 of 1,608,306 alleles (0.0035%); highest among the groups gnomAD compares: East Asian, 0.0067%; no homozygotes.

Submissions (2):

PreventionGenetics, part of Exact Sciences
Classification: Uncertain significance for STRC-related condition. Last evaluated: 2026-04-11. Review status: criteria provided, single submitter. Criteria: ACMG Guidelines, 2015. Collection method: clinical testing. Allele origin: germline.
Comment: The STRC c.4778C>T variant is predicted to result in the amino acid substitution p.Ala1593Val. This variant was reported in two individuals with hearing loss, one of which was reported to have a large deletion of STRC while in the second patient it was unclear if the second variant was a large deletion or a sequence variant (Nishio et al. 2022. PubMed ID: 35022556; Jin et al. 2022. PubMed ID: 35062939). This variant is reported in 0.0054% of alleles in individuals of East Asian descent in gnomAD. At this time, the clinical significance of this variant is uncertain due to the absence of conclusive functional and genetic evidence.

Blueprint Genetics
Classification: Pathogenic for STRC-related disorders. Last evaluated: 2024-02-09. Review status: criteria provided, single submitter. Criteria: ACMG Guidelines, 2015. Collection method: clinical testing. Allele origin: germline. Affected: yes. Observed: 5 variant alleles.